The following is an entry in ClinVar:

NM_001195518.2(MICU1):c.734del (p.Gln245fs)

Gene: MICU1 (mitochondrial calcium uptake 1; minus strand). Cytogenetic location: 10q22.1.
Variant type: Deletion.
Coding change: c.734del on transcript NM_001195518.2 (MANE Select); coding-DNA position 734, one base deleted (A; older notation c.734delA).
Protein change: p.Gln245fs; shifts the reading frame from glutamine 245.
Molecular consequence: frameshift variant.
Genome position (GRCh38, 1-based): chr10:72,477,175, T deleted on the plus strand (A on the coding strand, the reverse complement: MICU1 is on the minus strand). VCF-style (leftmost placement, unchanged base first): chr10-72477174-CT-C. GRCh37 (hg19) VCF-style: chr10-74236932-CT-C.
Other names: c.140del, p.Gln47fs (NM_001195519.2); c.752del, p.Gln251fs (NM_001363513.2); c.740del, p.Gln247fs (NM_006077.4); short protein forms Q247fs, Q245fs, Q251fs, Q47fs.
Identifiers: ClinVar variation 2034476 (VCV002034476.4), dbSNP rs1319785257, ClinGen allele CA594505568.

ClinVar aggregate classification (germline): Pathogenic (1 of 4 stars; one submission).

Allele frequency attached by ClinVar (database versions not stated): gnomAD exomes 0.00001.

Submission:

Labcorp Genetics (formerly Invitae), Labcorp
Classification: Pathogenic. Last evaluated: 2022-10-07. Review status: criteria provided, single submitter. Criteria: Invitae Variant Classification Sherloc (09022015). Collection method: clinical testing. Allele origin: germline.
Comment: For these reasons, this variant has been classified as Pathogenic. Algorithms developed to predict the effect of sequence changes on RNA splicing suggest that this variant may disrupt the consensus splice site. This variant has not been reported in the literature in individuals affected with MICU1-related conditions. This variant is present in population databases (no rsID available, gnomAD 0.002%). This sequence change creates a premature translational stop signal (p.Gln247Argfs*43) in the MICU1 gene. It is expected to result in an absent or disrupted protein product. Loss-of-function variants in MICU1 are known to be pathogenic (PMID: 24336167).

Literature cited by the submitters: PubMed 24336167.